The following is an entry in ClinVar:

NM_000090.4(COL3A1):c.3484C>T (p.Pro1162Ser)

Gene: COL3A1 (collagen type III alpha 1 chain; plus strand). Cytogenetic location: 2q32.2.
Variant type: single nucleotide variant.
Coding change: c.3484C>T on transcript NM_000090.4 (MANE Select); coding-DNA position 3484, C replaced by T.
Protein change: p.Pro1162Ser; replaces proline 1162 with serine.
Molecular consequence: missense variant.
Genome position (GRCh38, 1-based): chr2:189,008,101, C>T. VCF-style: chr2-189008101-C-T. GRCh37 (hg19) VCF-style: chr2-189872827-C-T.
Other names: short protein forms P1162S.
Identifiers: ClinVar variation 926472 (VCV000926472.7), dbSNP rs762147747, ClinGen allele CA076139.

ClinVar aggregate classification (germline): Uncertain significance. Review status: criteria provided, multiple submitters, no conflicts (2 of 4 stars). 3 submissions from 3 submitters: Uncertain significance (3). Last evaluated 2026-04-09.

Conditions:
Ehlers-Danlos syndrome, type 4 (EDSVASC). Also called: Ehlers-Danlos syndrome vascular type; Ehlers Danlos syndrome, ecchymotic type; Ehlers Danlos syndrome, arterial type; Ehlers Danlos syndrome, Sack-Barabas type; Ehlers-Danlos Syndrome Type IV. Identifiers: Orphanet 286, MedGen C0268338, MONDO:0017314, OMIM 130050.
Familial thoracic aortic aneurysm and aortic dissection (TAAD). Also called: Thoracic aortic aneurysms and dissections. Identifiers: Orphanet 91387, MedGen C4707243, MONDO:0019625.

Allele frequency attached by ClinVar (database versions not stated): ExAC 0.00001; gnomAD exomes 0.00001 and 0.00002; TOPMed below 0.00001.
gnomAD v4.1: 16 of 1,613,882 alleles (0.00099%); highest among the groups gnomAD compares: South Asian, 0.018%; 1 homozygote.

Submissions (3):

Women's Health and Genetics/Laboratory Corporation of America, LabCorp
Classification: Uncertain significance. Last evaluated: 2026-04-09. Review status: criteria provided, single submitter. Criteria: LabCorp Variant Classification Summary - May 2015. Collection method: clinical testing. Allele origin: germline.
Comment: Variant summary: COL3A1 c.3484C>T (p.Pro1162Ser) results in a non-conservative amino acid change in the encoded protein sequence. Algorithms developed to predict the effect of missense changes on protein structure and function all suggest that this variant is likely to be disruptive. The variant allele was found at a frequency of 1.6e-05 in 250600 control chromosomes. The available data on variant occurrences in the general population are insufficient to allow any conclusion about variant significance. To our knowledge, no occurrence of c.3484C>T in individuals affected with COL3A1-related conditions and no experimental evidence demonstrating its impact on protein function have been reported. ClinVar contains an entry for this variant (Variation ID: 926472). Based on the evidence outlined above, the variant was classified as uncertain significance.

Color Diagnostics, LLC DBA Color Health
Classification: Uncertain significance for Familial thoracic aortic aneurysm and aortic dissection. Last evaluated: 2024-03-06. Review status: criteria provided, single submitter. Criteria: ACMG Guidelines, 2015. Collection method: clinical testing. Allele origin: germline.
Comment: This missense variant replaces proline with serine at codon 1162 of the COL3A1 protein. Computational prediction is inconclusive regarding the impact of this variant on protein structure and function (internally defined REVEL score threshold 0.5 < inconclusive < 0.7, PMID: 27666373). To our knowledge, functional studies have not been reported for this variant. This variant has not been reported in individuals affected with COL3A1-related disorders in the literature. This variant has been identified in 4/250600 chromosomes in the general population by the Genome Aggregation Database (gnomAD). The available evidence is insufficient to determine the role of this variant in disease conclusively. Therefore, this variant is classified as a Variant of Uncertain Significance.

All of Us Research Program, National Institutes of Health
Classification: Uncertain significance for Ehlers-Danlos syndrome, type 4. Last evaluated: 2023-12-01. Review status: criteria provided, single submitter. Criteria: ACMG Guidelines, 2015. Collection method: clinical testing. Allele origin: germline. Inheritance: Autosomal dominant inheritance. Observed: 2 variant alleles, 2 heterozygotes.
Comment: This missense variant replaces proline with serine at codon 1162 of the COL3A1 protein. Computational prediction tool is inconclusive regarding the impact of this variant on protein structure and function (internally defined REVEL score threshold 0.5 < inconclusive < 0.7, PMID: 27666373). To our knowledge, functional studies have not been performed for this variant. This variant has not been reported in individuals affected with cardiovascular disorders in the literature. This variant has been identified in 4/250600 chromosomes in the general population by the Genome Aggregation Database (gnomAD). The available evidence is insufficient to determine the role of this variant in disease conclusively. Therefore, this variant is classified as a Variant of Uncertain Significance.

This study involves interpretation of variants in research participants for the purpose of population health screening. Participant phenotype was not available at the time of variant classification. Additional details can be found in publication PMID: 35346344, PMCID: PMC8962531